The following is an entry in ClinVar:

NM_176787.5(PIGN):c.1744A>G (p.Thr582Ala)

Gene: PIGN (phosphatidylinositol glycan anchor biosynthesis class N; minus strand). Cytogenetic location: 18q21.33.
Variant type: single nucleotide variant.
Coding change: c.1744A>G on transcript NM_176787.5 (MANE Select); coding-DNA position 1744, A replaced by G.
Protein change: p.Thr582Ala; replaces threonine 582 with alanine.
Molecular consequence: missense variant.
Genome position (GRCh38, 1-based): chr18:62,106,812, T>C on the plus strand (A>G on the coding strand, the complement: PIGN is on the minus strand). VCF-style: chr18-62106812-T-C. GRCh37 (hg19) VCF-style: chr18-59774045-T-C.
Other names: c.1744A>G, p.Thr582Ala (NM_012327.6); short protein forms T582A.
Identifiers: ClinVar variation 2140873 (VCV002140873.1), dbSNP rs757640120, ClinGen allele CA8982189.

ClinVar aggregate classification (germline): Uncertain significance (1 of 4 stars; one submission).

Conditions:
Multiple congenital anomalies-hypotonia-seizures syndrome 1 (MCAHS1). Also called: PIGN-CDG; Congenital disorder of glycosylation due to PIGN deficiency; GLYCOSYLPHOSPHATIDYLINOSITOL BIOSYNTHESIS DEFECT 3. Identifiers: Orphanet 280633, MedGen C3279775, MONDO:0013563, OMIM 614080.

Allele frequency attached by ClinVar (database versions not stated): TOPMed below 0.00001; gnomAD 0.00001; ExAC 0.00002; gnomAD exomes 0.00006.
gnomAD v4.1: 97 of 1,607,124 alleles (0.006%); highest among the groups gnomAD compares: Non-Finnish European, 0.0073%; no homozygotes.

Submission:

Labcorp Genetics (formerly Invitae), Labcorp
Classification: Uncertain significance for Multiple congenital anomalies-hypotonia-seizures syndrome 1. Last evaluated: 2022-05-07. Review status: criteria provided, single submitter. Criteria: Invitae Variant Classification Sherloc (09022015). Collection method: clinical testing. Allele origin: germline.
Comment: This sequence change replaces threonine, which is neutral and polar, with alanine, which is neutral and non-polar, at codon 582 of the PIGN protein (p.Thr582Ala). The frequency data for this variant in the population databases is considered unreliable, as metrics indicate poor data quality at this position in the gnomAD database. This variant has not been reported in the literature in individuals affected with PIGN-related conditions. Algorithms developed to predict the effect of missense changes on protein structure and function (SIFT, PolyPhen-2, Align-GVGD) all suggest that this variant is likely to be tolerated. In summary, the available evidence is currently insufficient to determine the role of this variant in disease. Therefore, it has been classified as a Variant of Uncertain Significance.